The following is an entry in ClinVar:

ClinVar aggregate classification (germline): Benign. Review status: criteria provided, single submitter (1 of 4 stars). 2 submissions from 2 submitters: Benign (1). 1 of the submissions does not count toward it. Last evaluated 2018-06-20.

Conditions:
TSHZ3-related disorder. Also called: TSHZ3-related condition.

Allele frequency attached by ClinVar (database versions not stated): ExAC 0.00109; 1000 Genomes Project 0.00160; gnomAD 0.00280 and 0.00313; 1000 Genomes Project 30x 0.00156; TOPMed 0.00356; ESP Exome Variant Server 0.00392; gnomAD exomes 0.00028 and 0.00082.
gnomAD v4.1: 872 of 1,614,024 alleles (0.054%); highest among the groups gnomAD compares: African/African-American, 0.97%; 4 homozygotes.

Submissions (2):

Labcorp Genetics (formerly Invitae), Labcorp
Classification: Benign. Last evaluated: 2018-06-20. Review status: criteria provided, single submitter. Criteria: Invitae Variant Classification Sherloc (09022015). Collection method: clinical testing. Allele origin: germline.

PreventionGenetics, part of Exact Sciences
Classification: Benign for TSHZ3-related condition. Last evaluated: 2022-06-21. Review status: no assertion criteria provided. Collection method: clinical testing. Allele origin: germline. Not counted in ClinVar's aggregate classification.
Comment: This variant is classified as benign based on ACMG/AMP sequence variant interpretation guidelines (Richards et al. 2015 PMID: 25741868, with internal and published modifications).

NM_020856.4(TSHZ3):c.903A>G (p.Gln301=)

Gene: TSHZ3 (teashirt zinc finger homeobox 3; minus strand). Cytogenetic location: 19q12.
Variant type: single nucleotide variant.
Coding change: c.903A>G on transcript NM_020856.4 (MANE Select); coding-DNA position 903, A replaced by G.
Protein change: p.Gln301=; no amino-acid change (glutamine 301 retained).
Molecular consequence: synonymous variant.
Genome position (GRCh38, 1-based): chr19:31,278,890, T>C on the plus strand (A>G on the coding strand, the complement: TSHZ3 is on the minus strand). VCF-style: chr19-31278890-T-C. GRCh37 (hg19) VCF-style: chr19-31769796-T-C.
Identifiers: ClinVar variation 721887 (VCV000721887.5), dbSNP rs61747216, ClinGen allele CA9354388.
Genomic context (GRCh38, chr19:31,278,890, plus strand): 5'-CCGAGTGGCAGGGATGATTTTGGCGGCGACAGGAGTGACGGGTTCCTTCAGAGGCACTTT[T>C]TGGTAGTGTTTTGTTTTGATCATATGGACACTCAAATCCTGCAGGGACTCAAAGGAGTGG-3'
Protein context (NP_065907.2, residues 291-311): SVHMIKTKHY[Gln301=]KVPLKEPVTP